The following is an entry in ClinVar:

ClinVar aggregate classification (germline): Uncertain significance. Review status: criteria provided, multiple submitters, no conflicts (2 of 4 stars). 2 submissions from 2 submitters: Uncertain significance (2). Last evaluated 2025-07-31.

Conditions:
Hereditary cancer-predisposing syndrome. Also called: Neoplastic Syndromes, Hereditary; Hereditary Cancer Syndrome; Tumor predisposition; Hereditary neoplastic syndrome. Identifiers: Orphanet 140162, MedGen C0027672, MeSH D009386, MONDO:0015356.
Ataxia-telangiectasia syndrome (AT). Also called: LOUIS-BAR SYNDROME; Cerebello-oculocutaneous telangiectasia; Immunodeficiency with ataxia telangiectasia; Ataxia-telangiectasia, complementation group D; AT, COMPLEMENTATION GROUP C; Ataxia-telangiectasia, complementation group E. Identifiers: Orphanet 100, MedGen C0004135, MONDO:0008840, OMIM 208900.

Allele frequency attached by ClinVar (database versions not stated): gnomAD exomes below 0.00001; ExAC 0.00001.
gnomAD v4.1: 1 of 1,614,118 alleles (0.000062%); highest among the groups gnomAD compares: Non-Finnish European, 0.000085%; no homozygotes.

Submissions (2):

Labcorp Genetics (formerly Invitae), Labcorp
Classification: Uncertain significance for Ataxia-telangiectasia syndrome. Last evaluated: 2025-07-31. Review status: criteria provided, single submitter. Criteria: Invitae Variant Classification Sherloc (09022015). Collection method: clinical testing. Allele origin: germline.
Comment: This sequence change replaces tryptophan, which is neutral and slightly polar, with arginine, which is basic and polar, at codon 2291 of the ATM protein (p.Trp2291Arg). This variant is present in population databases (rs746815819, gnomAD 0.0009%). This variant has not been reported in the literature in individuals affected with ATM-related conditions. ClinVar contains an entry for this variant (Variation ID: 490678). Invitae Evidence Modeling of protein sequence and biophysical properties (such as structural, functional, and spatial information, amino acid conservation, physicochemical variation, residue mobility, and thermodynamic stability) has been performed for this missense variant. However, the output from this modeling did not meet the statistical confidence thresholds required to predict the impact of this variant on ATM protein function.

Color Diagnostics, LLC DBA Color Health
Classification: Uncertain significance for Hereditary cancer-predisposing syndrome. Last evaluated: 2023-12-05. Review status: criteria provided, single submitter. Criteria: ACMG Guidelines, 2015. Collection method: clinical testing. Allele origin: germline.
Comment: This missense variant replaces tryptophan with arginine at codon 2291 of the ATM protein. Computational prediction suggests that this variant may have deleterious impact on protein structure and function (internally defined REVEL score threshold >= 0.7, PMID: 27666373). To our knowledge, functional studies have not been reported for this variant. This variant has not been reported in individuals affected with ATM-related disorders in the literature. This variant has been identified in 1/251210 chromosomes in the general population by the Genome Aggregation Database (gnomAD). The available evidence is insufficient to determine the role of this variant in disease conclusively. Therefore, this variant is classified as a Variant of Uncertain Significance.

NM_000051.4(ATM):c.6871T>C (p.Trp2291Arg)

Genes: ATM (ATM serine/threonine kinase; plus strand), C11orf65 (chromosome 11 open reading frame 65; minus strand). Cytogenetic location: 11q22.3.
Variant type: single nucleotide variant.
Coding change: c.6871T>C on transcript NM_000051.4 (MANE Select); coding-DNA position 6871, T replaced by C.
Protein change: p.Trp2291Arg; replaces tryptophan 2291 with arginine.
Molecular consequence: missense variant. On other transcripts: intron variant (2).
Genome position (GRCh38, 1-based): chr11:108,326,121, T>C. VCF-style: chr11-108326121-T-C. GRCh37 (hg19) VCF-style: chr11-108196848-T-C.
Other names: c.6871T>C, p.Trp2291Arg (NM_001351834.2); c.641-17050A>G (NM_001330368.2); c.*38+9099A>G (NM_001351110.2); short protein forms W2291R.
Identifiers: ClinVar variation 490678 (VCV000490678.15), dbSNP rs746815819, ClinGen allele CA6266024.